The following is an entry in ClinVar:

NM_053025.4(MYLK):c.4603G>A (p.Val1535Ile)

Gene: MYLK (myosin light chain kinase; minus strand). Cytogenetic location: 3q21.1.
Variant type: single nucleotide variant.
Coding change: c.4603G>A on transcript NM_053025.4 (MANE Select); coding-DNA position 4603, G replaced by A.
Protein change: p.Val1535Ile; replaces valine 1535 with isoleucine.
Molecular consequence: missense variant.
Genome position (GRCh38, 1-based): chr3:123,647,240, C>T on the plus strand (G>A on the coding strand, the complement: MYLK is on the minus strand). VCF-style: chr3-123647240-C-T. GRCh37 (hg19) VCF-style: chr3-123366087-C-T.
Other names: c.4075G>A, p.Val1359Ile (NM_001321309.2); c.4396G>A, p.Val1466Ile (NM_053026.4, NM_053028.4); c.4603G>A, p.Val1535Ile (NM_053027.4); short protein forms V1359I, V1535I, V1466I.
Identifiers: ClinVar variation 642372 (VCV000642372.23), dbSNP rs776503378, ClinGen allele CA071849.

ClinVar aggregate classification (germline): Uncertain significance. Review status: criteria provided, multiple submitters, no conflicts (2 of 4 stars). 3 submissions from 3 submitters: Uncertain significance (3). Last evaluated 2025-11-05.

Conditions:
Aortic aneurysm, familial thoracic 7 (AAT7). Also called: AORTIC DISSECTION, FAMILIAL, WITH OR WITHOUT AORTIC ANEURYSM. Identifiers: MedGen C3151077, MONDO:0013418, OMIM 613780.
Familial thoracic aortic aneurysm and aortic dissection (TAAD). Also called: Thoracic aortic aneurysms and dissections. Identifiers: Orphanet 91387, MedGen C4707243, MONDO:0019625.

Allele frequency attached by ClinVar (database versions not stated): ExAC 0.00001; gnomAD exomes 0.00001 and 0.00002.
gnomAD v4.1: 14 of 1,614,172 alleles (0.00087%); highest among the groups gnomAD compares: Admixed American, 0.0017%; no homozygotes.

Submissions (3):

Labcorp Genetics (formerly Invitae), Labcorp
Classification: Uncertain significance for Aortic aneurysm, familial thoracic 7. Last evaluated: 2025-11-05. Review status: criteria provided, single submitter. Criteria: Invitae Variant Classification Sherloc (09022015). Collection method: clinical testing. Allele origin: germline.
Comment: This sequence change replaces valine, which is neutral and non-polar, with isoleucine, which is neutral and non-polar, at codon 1535 of the MYLK protein (p.Val1535Ile). This variant is present in population databases (rs776503378, gnomAD 0.003%). This variant has not been reported in the literature in individuals affected with MYLK-related conditions. ClinVar contains an entry for this variant (Variation ID: 642372). Invitae Evidence Modeling of protein sequence and biophysical properties (such as structural, functional, and spatial information, amino acid conservation, physicochemical variation, residue mobility, and thermodynamic stability) indicates that this missense variant is not expected to disrupt MYLK protein function with a negative predictive value of 80%. In summary, the available evidence is currently insufficient to determine the role of this variant in disease. Therefore, it has been classified as a Variant of Uncertain Significance.

Ambry Genetics
Classification: Uncertain significance for Familial thoracic aortic aneurysm and aortic dissection. Last evaluated: 2025-10-27. Review status: criteria provided, single submitter. Criteria: Ambry Variant Classification Scheme 2023. Collection method: clinical testing. Allele origin: germline.
Comment: The p.V1535I variant (also known as c.4603G>A), located in coding exon 24 of the MYLK gene, results from a G to A substitution at nucleotide position 4603. The valine at codon 1535 is replaced by isoleucine, an amino acid with highly similar properties. This amino acid position is conserved. In addition, this alteration is predicted to be tolerated by in silico analysis. Since supporting evidence is limited at this time, the clinical significance of this alteration remains unclear.

CeGaT Center for Human Genetics Tuebingen
Classification: Uncertain significance. Last evaluated: 2024-11-01. Review status: criteria provided, single submitter. Criteria: CeGaT Center For Human Genetics Tuebingen Variant Classification Criteria Version 2. Collection method: clinical testing. Allele origin: germline. Affected: yes. Observed: 1 variant allele.
Comment: MYLK: PM2